The following is an entry in ClinVar:

NM_000059.4(BRCA2):c.4611del (p.Glu1537fs)

Gene: BRCA2 (BRCA2 DNA repair associated; plus strand). Cytogenetic location: 13q13.1.
Variant type: Deletion.
Coding change: c.4611del on transcript NM_000059.4 (MANE Select); coding-DNA position 4611, one base deleted (A; older notation c.4611delA).
Protein change: p.Glu1537fs; shifts the reading frame from glutamic acid 1537.
Molecular consequence: frameshift variant. On other transcripts: non-coding transcript variant (1), intron variant (2).
Genome position (GRCh38, 1-based): chr13:32,338,966, A deleted; the last of 2 consecutive A bases (chr13:32,338,965-32,338,966); deleting either gives the same sequence. VCF-style (leftmost placement, unchanged base first): chr13-32338964-GA-G. GRCh37 (hg19) VCF-style: chr13-32913101-GA-G.
Other names: c.4611del, p.Glu1537fs (NM_001406719.1, NM_001406720.1, NM_001432077.1); c.1909+5579del (NM_001406721.1); c.425-5592del (NM_001406722.1); short protein forms E1537fs.
Identifiers: ClinVar variation 4710782 (VCV004710782.1).

ClinVar aggregate classification (germline): Pathogenic (1 of 4 stars; one submission).

Conditions:
Hereditary breast ovarian cancer syndrome. Also called: BRCA1- and BRCA2-Associated Hereditary Breast and Ovarian Cancer; Breast and ovarian cancer; Hereditary breast and ovarian cancer syndrome; Hereditary breast and ovarian cancer syndrome (HBOC); Hereditary breast and/or ovarian cancer syndrome; Hereditary breast and ovarian cancer. Identifiers: Orphanet 145, MedGen C0677776, MeSH D061325, MONDO:0003582. Disease mechanism: loss of function.

Submission:

Labcorp Genetics (formerly Invitae), Labcorp
Classification: Pathogenic for Hereditary breast ovarian cancer syndrome. Last evaluated: 2025-12-31. Review status: criteria provided, single submitter. Criteria: Invitae Variant Classification Sherloc (09022015). Collection method: clinical testing. Allele origin: germline.
Comment: This sequence change creates a premature translational stop signal (p.Glu1537Aspfs*6) in the BRCA2 gene. It is expected to result in an absent or disrupted protein product. Loss-of-function variants in BRCA2 are known to be pathogenic (PMID: 20104584). This variant is not present in population databases (gnomAD no frequency). This premature translational stop signal has been observed in individual(s) with breast cancer (PMID: 33461583). For these reasons, this variant has been classified as Pathogenic.

Literature cited by the submitters: PubMed 20104584; PubMed 33461583.